The following is an entry in ClinVar:

NM_015409.5(EP400):c.1371C>T (p.Ala457=)

Gene: EP400 (E1A binding protein p400; plus strand). Cytogenetic location: 12q24.33.
Variant type: single nucleotide variant.
Coding change: c.1371C>T on transcript NM_015409.5 (MANE Select); coding-DNA position 1371, C replaced by T.
Protein change: p.Ala457=; no amino-acid change (alanine 457 retained).
Molecular consequence: synonymous variant.
Genome position (GRCh38, 1-based): chr12:131,979,729, C>T. VCF-style: chr12-131979729-C-T. GRCh37 (hg19) VCF-style: chr12-132464274-C-T.
Identifiers: ClinVar variation 2643617 (VCV002643617.24), dbSNP rs140869465, ClinGen allele CA6884703.

ClinVar aggregate classification (germline): Likely benign (1 of 4 stars; one submission).

Allele frequency attached by ClinVar (database versions not stated): gnomAD 0.00009; TOPMed 0.00009; ESP Exome Variant Server 0.00023.
gnomAD v4.1: 186 of 1,609,258 alleles (0.012%); highest among the groups gnomAD compares: African/African-American, 0.013%; no homozygotes.

Submission:

CeGaT Center for Human Genetics Tuebingen
Classification: Likely benign. Last evaluated: 2022-09-01. Review status: criteria provided, single submitter. Criteria: CeGaT Center For Human Genetics Tuebingen Variant Classification Criteria Version 2. Collection method: clinical testing. Allele origin: germline. Affected: yes. Observed: 1 variant allele.
Comment: EP400: BP4, BP7